The following is an entry in ClinVar:

ClinVar aggregate classification (germline): Uncertain significance (1 of 4 stars; one submission).

Submission:

GeneDx
Classification: Uncertain significance. Last evaluated: 2020-01-31. Review status: criteria provided, single submitter. Criteria: GeneDx Variant Classification Process June 2021. Collection method: clinical testing. Allele origin: germline. Affected: yes.
Comment: Not observed in large population cohorts (Lek et al., 2016); In silico analysis supports that this missense variant does not alter protein structure/function; Has not been previously published as pathogenic or benign to our knowledge

NM_001170629.2(CHD8):c.31G>A (p.Asp11Asn)

Gene: CHD8 (chromodomain helicase DNA binding protein 8; minus strand). Cytogenetic location: 14q11.2.
Variant type: single nucleotide variant.
Coding change: c.31G>A on transcript NM_001170629.2 (MANE Select); coding-DNA position 31, G replaced by A.
Protein change: p.Asp11Asn; replaces aspartic acid 11 with asparagine.
Molecular consequence: missense variant. On other transcripts: intron variant (1).
Genome position (GRCh38, 1-based): chr14:21,431,613, C>T on the plus strand (G>A on the coding strand, the complement: CHD8 is on the minus strand). VCF-style: chr14-21431613-C-T. GRCh37 (hg19) VCF-style: chr14-21899772-C-T.
Other names: c.6+198G>A (NM_020920.4); short protein forms D11N.
Identifiers: ClinVar variation 1315025 (VCV001315025.2), dbSNP rs2139540870, ClinGen allele CA388891505.